The following is an entry in ClinVar:

NM_003383.5(VLDLR):c.140C>T (p.Thr47Met)

Gene: VLDLR (very low density lipoprotein receptor; plus strand). Cytogenetic location: 9p24.2.
Variant type: single nucleotide variant.
Coding change: c.140C>T on transcript NM_003383.5 (MANE Select); coding-DNA position 140, C replaced by T.
Protein change: p.Thr47Met; replaces threonine 47 with methionine.
Molecular consequence: missense variant.
Genome position (GRCh38, 1-based): chr9:2,635,510, C>T. VCF-style: chr9-2635510-C-T. GRCh37 (hg19) VCF-style: chr9-2635510-C-T.
Other names: c.140C>T, p.Thr47Met (NM_001018056.3, NM_001322225.2, NM_001322226.2); short protein forms T47M.
Identifiers: ClinVar variation 1328856 (VCV001328856.2), dbSNP rs763801214, ClinGen allele CA187949474.

ClinVar aggregate classification (germline): Uncertain significance (1 of 4 stars; one submission).

Allele frequency attached by ClinVar (database versions not stated): TOPMed below 0.00001; gnomAD 0.00001; gnomAD exomes 0.00001 and 0.00002.
gnomAD v4.1: 18 of 1,613,922 alleles (0.0011%); highest among the groups gnomAD compares: Admixed American, 0.0033%; no homozygotes.

Submission:

GeneDx
Classification: Uncertain significance. Last evaluated: 2021-11-29. Review status: criteria provided, single submitter. Criteria: GeneDx Variant Classification Process June 2021. Collection method: clinical testing. Allele origin: germline. Affected: yes.
Comment: Not observed at significant frequency in large population cohorts (Lek et al., 2016); In silico analysis supports that this missense variant does not alter protein structure/function; Has not been previously published as pathogenic or benign to our knowledge